The following is an entry in ClinVar:

NM_033004.4(NLRP1):c.2311G>A (p.Glu771Lys)

Gene: NLRP1 (NLR family pyrin domain containing 1; minus strand). Cytogenetic location: 17p13.2.
Variant type: single nucleotide variant.
Coding change: c.2311G>A on transcript NM_033004.4 (MANE Select); coding-DNA position 2311, G replaced by A.
Protein change: p.Glu771Lys; replaces glutamic acid 771 with lysine.
Molecular consequence: missense variant.
Genome position (GRCh38, 1-based): chr17:5,558,385, C>T on the plus strand (G>A on the coding strand, the complement: NLRP1 is on the minus strand). VCF-style: chr17-5558385-C-T. GRCh37 (hg19) VCF-style: chr17-5461705-C-T.
Other names: c.2311G>A, p.Glu771Lys (NM_033007.4, NM_033006.4, NM_014922.5 and 1 more transcripts); short protein forms E771K.
Identifiers: ClinVar variation 636968 (VCV000636968.12), dbSNP rs147988553, ClinGen allele CA8327215.

ClinVar aggregate classification (germline): Uncertain significance. Review status: criteria provided, multiple submitters, no conflicts (2 of 4 stars). 4 submissions from 4 submitters: Uncertain significance (4). Last evaluated 2025-08-20.

Conditions:
NLRP1-related disorder. Also called: NLRP1-related condition.
Inborn genetic diseases. Identifiers: MedGen C0950123, MeSH D030342.

Allele frequency attached by ClinVar (database versions not stated): gnomAD 0.00001 and 0.00002; ExAC 0.00002; gnomAD exomes 0.00002; TOPMed 0.00003; ESP Exome Variant Server 0.00008.
gnomAD v4.1: 35 of 1,613,726 alleles (0.0022%); highest among the groups gnomAD compares: Non-Finnish European, 0.0028%; no homozygotes.

Submissions (4):

Labcorp Genetics (formerly Invitae), Labcorp
Classification: Uncertain significance. Last evaluated: 2025-08-20. Review status: criteria provided, single submitter. Criteria: Invitae Variant Classification Sherloc (09022015). Collection method: clinical testing. Allele origin: germline.
Comment: This sequence change replaces glutamic acid, which is acidic and polar, with lysine, which is basic and polar, at codon 771 of the NLRP1 protein (p.Glu771Lys). This variant is present in population databases (rs147988553, gnomAD 0.004%). This variant has not been reported in the literature in individuals affected with NLRP1-related conditions. ClinVar contains an entry for this variant (Variation ID: 636968). An algorithm developed to predict the effect of missense changes on protein structure and function (PolyPhen-2) suggests that this variant is likely to be tolerated. In summary, the available evidence is currently insufficient to determine the role of this variant in disease. Therefore, it has been classified as a Variant of Uncertain Significance.

Ambry Genetics
Classification: Uncertain significance for Inborn genetic diseases. Last evaluated: 2023-10-06. Review status: criteria provided, single submitter. Criteria: Ambry Variant Classification Scheme 2023. Collection method: clinical testing. Allele origin: germline.

PreventionGenetics, part of Exact Sciences
Classification: Uncertain significance for NLRP1-related condition. Last evaluated: 2023-02-22. Review status: criteria provided, single submitter. Criteria: ACMG Guidelines, 2015. Collection method: clinical testing. Allele origin: germline.
Comment: The NLRP1 c.2311G>A variant is predicted to result in the amino acid substitution p.Glu771Lys. To our knowledge, this variant has not been reported in the literature. This variant is reported in 0.0040% of alleles in individuals of African descent in gnomAD. At this time, the clinical significance of this variant is uncertain due to the absence of conclusive functional and genetic evidence.

Blueprint Genetics
Classification: Uncertain significance. Last evaluated: 2019-08-22. Review status: criteria provided, single submitter. Criteria: ACMG Guidelines, 2015. Collection method: clinical testing. Allele origin: germline.